The following is an entry in ClinVar:

NM_177438.3(DICER1):c.3349G>A (p.Glu1117Lys)

Gene: DICER1 (dicer 1, ribonuclease III; minus strand). Cytogenetic location: 14q32.13.
Variant type: single nucleotide variant.
Coding change: c.3349G>A on transcript NM_177438.3 (MANE Select); coding-DNA position 3349, G replaced by A.
Protein change: p.Glu1117Lys; replaces glutamic acid 1117 with lysine.
Molecular consequence: missense variant. On other transcripts: non-coding transcript variant (6).
Genome position (GRCh38, 1-based): chr14:95,104,047, C>T on the plus strand (G>A on the coding strand, the complement: DICER1 is on the minus strand). VCF-style: chr14-95104047-C-T. GRCh37 (hg19) VCF-style: chr14-95570384-C-T.
Other names: c.3349G>A, p.Glu1117Lys (NM_030621.4, NM_001195573.1, NM_001271282.3 and 12 more transcripts); c.3067G>A, p.Glu1023Lys (NM_001395686.1); c.2944G>A, p.Glu982Lys (NM_001395687.1, NM_001395688.1, NM_001395689.1 and 2 more transcripts); c.2782G>A, p.Glu928Lys (NM_001395691.1); c.1666G>A, p.Glu556Lys (NM_001395697.1); short protein forms E928K, E982K, E1023K, E1117K, E556K.
Identifiers: ClinVar variation 3501871 (VCV003501871.1).
Genomic context (GRCh38, chr14:95,104,047, plus strand): 5'-CACCTTGATGTGCAGCATTTTCAGGGACAATTGTGCTGTGCTTACAGTAATTATCATTTT[C>T]AGCTGAAGAGGAGTTAGAAATTGAGATGAAAGATTTGCTGTCAATAGATTTTTTCCACCC-3'
Protein context (NP_803187.1, residues 1107-1127): FISISNSSSA[Glu1117Lys]NDNYCKHSTI

ClinVar aggregate classification (germline): Uncertain significance (1 of 4 stars; one submission).

Conditions:
Hereditary cancer-predisposing syndrome. Also called: Tumor predisposition; Neoplastic Syndromes, Hereditary; Hereditary Cancer Syndrome; Hereditary neoplastic syndrome. Identifiers: Orphanet 140162, MedGen C0027672, MeSH D009386, MONDO:0015356.

Submission:

Ambry Genetics
Classification: Uncertain significance for Hereditary cancer-predisposing syndrome. Last evaluated: 2024-08-10. Review status: criteria provided, single submitter. Criteria: Ambry Variant Classification Scheme 2023. Collection method: clinical testing. Allele origin: germline.
Comment: The p.E1117K variant (also known as c.3349G>A), located in coding exon 20 of the DICER1 gene, results from a G to A substitution at nucleotide position 3349. The glutamic acid at codon 1117 is replaced by lysine, an amino acid with similar properties. This amino acid position is well conserved in available vertebrate species. In addition, the in silico prediction for this alteration is inconclusive. Based on the available evidence, the clinical significance of this variant remains unclear.